The following is an entry in ClinVar:

ClinVar aggregate classification (germline): Uncertain significance (1 of 4 stars; one submission).

Conditions:
DICER1-related tumor predisposition. Also called: DICER1-related pleuropulmonary blastoma cancer predisposition syndrome; DICER1 syndrome. Identifiers: Orphanet 284343, MedGen C3839822, MONDO:0100216.

Allele frequency attached by ClinVar (database versions not stated): gnomAD exomes below 0.00001 and 0.00001; ExAC 0.00001.
gnomAD v4.1: 3 of 1,614,186 alleles (0.00019%); highest among the groups gnomAD compares: South Asian, 0.0033%; no homozygotes.

Submission:

Labcorp Genetics (formerly Invitae), Labcorp
Classification: Uncertain significance for DICER1-related tumor predisposition. Last evaluated: 2021-04-17. Review status: criteria provided, single submitter. Criteria: Invitae Variant Classification Sherloc (09022015). Collection method: clinical testing. Allele origin: germline.
Comment: In summary, the available evidence is currently insufficient to determine the role of this variant in disease. Therefore, it has been classified as a Variant of Uncertain Significance. Algorithms developed to predict the effect of missense changes on protein structure and function (SIFT, PolyPhen-2, Align-GVGD) all suggest that this variant is likely to be tolerated, but these predictions have not been confirmed by published functional studies and their clinical significance is uncertain. This variant has not been reported in the literature in individuals with DICER1-related conditions. This variant is present in population databases (rs768640549, ExAC 0.006%). This sequence change replaces threonine with alanine at codon 1658 of the DICER1 protein (p.Thr1658Ala). The threonine residue is highly conserved and there is a small physicochemical difference between threonine and alanine.

NM_177438.3(DICER1):c.4972A>G (p.Thr1658Ala)

Gene: DICER1 (dicer 1, ribonuclease III; minus strand). Cytogenetic location: 14q32.13.
Variant type: single nucleotide variant.
Coding change: c.4972A>G on transcript NM_177438.3 (MANE Select); coding-DNA position 4972, A replaced by G.
Protein change: p.Thr1658Ala; replaces threonine 1658 with alanine.
Molecular consequence: missense variant.
Genome position (GRCh38, 1-based): chr14:95,095,948, T>C on the plus strand (A>G on the coding strand, the complement: DICER1 is on the minus strand). VCF-style: chr14-95095948-T-C. GRCh37 (hg19) VCF-style: chr14-95562285-T-C.
Other names: c.4972A>G, p.Thr1658Ala (NM_001195573.1, NM_001271282.3, NM_001291628.2 and 1 more transcripts); short protein forms T1658A.
Identifiers: ClinVar variation 1493268 (VCV001493268.9), dbSNP rs768640549, ClinGen allele CA7330762.